The following is an entry in ClinVar:

ClinVar aggregate classification (germline): Uncertain significance. Review status: criteria provided, multiple submitters, no conflicts (2 of 4 stars). 2 submissions from 2 submitters: Uncertain significance (2). Last evaluated 2025-12-09.

Allele frequency attached by ClinVar (database versions not stated): TOPMed 0.00001.
gnomAD v4.1: 13 of 1,614,024 alleles (0.00081%); highest among the groups gnomAD compares: Middle Eastern, 0.017%; no homozygotes.

Submissions (2):

Ambry Genetics
Classification: Uncertain significance. Last evaluated: 2025-12-09. Review status: criteria provided, single submitter. Criteria: Ambry Variant Classification Scheme 2023. Collection method: clinical testing. Allele origin: germline.

Labcorp Genetics (formerly Invitae), Labcorp
Classification: Uncertain significance. Last evaluated: 2025-03-31. Review status: criteria provided, single submitter. Criteria: Invitae Variant Classification Sherloc (09022015). Collection method: clinical testing. Allele origin: germline.
Comment: This sequence change replaces arginine, which is basic and polar, with cysteine, which is neutral and slightly polar, at codon 639 of the EPHA4 protein (p.Arg639Cys). This variant is present in population databases (no rsID available, gnomAD 0.003%). This variant has not been reported in the literature in individuals affected with EPHA4-related conditions. ClinVar contains an entry for this variant (Variation ID: 2988177). Invitae Evidence Modeling of protein sequence and biophysical properties (such as structural, functional, and spatial information, amino acid conservation, physicochemical variation, residue mobility, and thermodynamic stability) indicates that this missense variant is not expected to disrupt EPHA4 protein function with a negative predictive value of 80%. In summary, the available evidence is currently insufficient to determine the role of this variant in disease. Therefore, it has been classified as a Variant of Uncertain Significance.

NM_004438.5(EPHA4):c.1915C>T (p.Arg639Cys)

Gene: EPHA4 (EPH receptor A4; minus strand). Cytogenetic location: 2q36.1.
Variant type: single nucleotide variant.
Coding change: c.1915C>T on transcript NM_004438.5 (MANE Select); coding-DNA position 1915, C replaced by T.
Protein change: p.Arg639Cys; replaces arginine 639 with cysteine.
Molecular consequence: missense variant.
Genome position (GRCh38, 1-based): chr2:221,442,988, G>A on the plus strand (C>T on the coding strand, the complement: EPHA4 is on the minus strand). VCF-style: chr2-221442988-G-A. GRCh37 (hg19) VCF-style: chr2-222307708-G-A.
Other names: c.1915C>T (NM_004438.3); c.1915C>T, p.Arg639Cys (NM_001304536.2, NM_001363748.2); c.1762C>T, p.Arg588Cys (NM_001304537.2); short protein forms R588C, R639C.
Identifiers: ClinVar variation 2988177 (VCV002988177.4), dbSNP rs904777556, ClinGen allele CA65820053.